The following is an entry in ClinVar:

NM_001148.6(ANK2):c.11659T>A (p.Tyr3887Asn)

Gene: ANK2 (ankyrin 2; plus strand). Cytogenetic location: 4q26.
Variant type: single nucleotide variant.
Coding change: c.11659T>A on transcript NM_001148.6 (MANE Select); coding-DNA position 11659, T replaced by A.
Protein change: p.Tyr3887Asn; replaces tyrosine 3887 with asparagine.
Molecular consequence: missense variant. On other transcripts: intron variant (1).
Genome position (GRCh38, 1-based): chr4:113,373,138, T>A. VCF-style: chr4-113373138-T-A. GRCh37 (hg19) VCF-style: chr4-114294294-T-A.
Other names: c.5218T>A, p.Tyr1740Asn (NM_001354267.2, NM_001354276.2, NM_001386162.1 and 2 more transcripts); c.5206T>A, p.Tyr1736Asn (NM_001354268.2); c.5191T>A, p.Tyr1731Asn (NM_001354269.3); c.5179T>A, p.Tyr1727Asn (NM_001354270.2, NM_001354253.2); c.5119T>A, p.Tyr1707Asn (NM_001354271.2, NM_001354260.2); c.5275T>A, p.Tyr1759Asn (NM_001354272.2); c.5104T>A, p.Tyr1702Asn (NM_001354273.2); c.5263T>A, p.Tyr1755Asn (NM_001354274.2, NM_001354261.2); and 44 more; short protein forms Y1724N, Y1727N, Y1744N, Y1759N, Y1797N, Y1801N, Y1812N, Y1845N.
Identifiers: ClinVar variation 4051385 (VCV004051385.1).

ClinVar aggregate classification (germline): Uncertain significance (1 of 4 stars; one submission).

Conditions:
Cardiovascular phenotype. Identifiers: MedGen CN230736.

Submission:

Ambry Genetics
Classification: Uncertain significance for Cardiovascular phenotype. Last evaluated: 2025-06-07. Review status: criteria provided, single submitter. Criteria: Ambry Variant Classification Scheme 2023. Collection method: clinical testing. Allele origin: germline.
Comment: The p.Y3887N variant (also known as c.11659T>A), located in coding exon 44 of the ANK2 gene, results from a T to A substitution at nucleotide position 11659. The tyrosine at codon 3887 is replaced by asparagine, an amino acid with dissimilar properties. This amino acid position is conserved. In addition, this alteration is predicted to be deleterious by in silico analysis. Based on the available evidence, the clinical significance of this variant remains unclear.